The following is an entry in ClinVar:

ClinVar aggregate classification (germline): Pathogenic/Likely pathogenic. Review status: criteria provided, multiple submitters, no conflicts (2 of 4 stars). 2 submissions from 2 submitters: Pathogenic (1); Likely pathogenic (1). Last evaluated 2025-03-21.

Conditions:
Nemaline myopathy. Also called: Myopathies, Nemaline. Identifiers: Orphanet 607, MedGen C0206157, MONDO:0018958.
Nemaline myopathy 2 (NEM2). Also called: Nemaline myopathy 2, autosomal recessive. Identifiers: MedGen C1850569, MONDO:0009725, OMIM 256030.

Allele frequency attached by ClinVar (database versions not stated): TOPMed below 0.00001; gnomAD 0.00001.

Submissions (2):

Broad Center for Mendelian Genomics, Broad Institute of MIT and Harvard
Classification: Pathogenic for Nemaline myopathy. Last evaluated: 2025-03-21. Review status: criteria provided, single submitter. Criteria: ACMG Guidelines, 2015. Collection method: curation. Allele origin: germline. Inheritance: Autosomal recessive inheritance.
Comment: The c.1570-2del variant in NEB has not been previously reported in the literature in individuals with nemaline myopathy, but has been identified in 0.003% (2/74738) of African/African American chromosomes by the Genome Aggregation Database (gnomAD; dbSNP ID: rs2099590816). Although this variant has been seen in the general population in a heterozygous state, its frequency is low enough to be consistent with a recessive carrier frequency. This variant has also been reported in ClinVar (Variation ID: 1066812) and has been interpreted as likely pathogenic by Invitae. This variant is located in the 3' splice region. Computational tools predict a splicing impact, though this information is not predictive enough to determine pathogenicity. This variant is adjacent to an in-frame exon and is more likely to escape nonsense mediated decay (NMD) and result in a truncated protein. In-frame exon skipping of the NEB gene is an established disease mechanism in autosomal recessive nemaline myopathy. Three additional likely pathogenic/pathogenic variants, predicted to induce the same splicing effect as this variant, have been reported in ClinVar as being associated with nemaline myopathy, supporting that the c.1570-2del variant may be pathogenic (Variation ID: 558305, 1496442, 553664). In summary, this variant meets criteria to be classified as pathogenic for autosomal recessive nemaline myopathy. ACMG/AMP Criteria applied: PVS1_strong, PS1, PM2_supporting (Richards 2015).

Labcorp Genetics (formerly Invitae), Labcorp
Classification: Likely pathogenic for Nemaline myopathy 2. Last evaluated: 2022-02-05. Review status: criteria provided, single submitter. Criteria: Invitae Variant Classification Sherloc (09022015). Collection method: clinical testing. Allele origin: germline.
Comment: Algorithms developed to predict the effect of sequence changes on RNA splicing suggest that this variant may disrupt the consensus splice site. In summary, the currently available evidence indicates that the variant is pathogenic, but additional data are needed to prove that conclusively. Therefore, this variant has been classified as Likely Pathogenic. ClinVar contains an entry for this variant (Variation ID: 1066812). This variant has not been reported in the literature in individuals affected with NEB-related conditions. This variant is not present in population databases (gnomAD no frequency). This sequence change affects a splice site in intron 17 of the NEB gene. It is expected to disrupt RNA splicing. Variants that disrupt the donor or acceptor splice site typically lead to a loss of protein function (PMID: 16199547), and loss-of-function variants in NEB are known to be pathogenic (PMID: 25205138).

Literature cited by the submitters: PubMed 16199547 (cited by Labcorp Genetics (formerly Invitae), Labcorp); PubMed 25205138 (cited by Labcorp Genetics (formerly Invitae), Labcorp).

NM_001164508.2(NEB):c.1570-2del

Gene: NEB (nebulin; minus strand). Cytogenetic location: 2q23.3.
Variant type: Deletion.
Coding change: c.1570-2del on transcript NM_001164508.2 (MANE Select); the canonical splice acceptor site of the intron before coding-DNA position 1570, one base deleted (A; older notation c.1570-2delA).
Molecular consequence: splice acceptor variant.
Genome position (GRCh38, 1-based): chr2:151,695,684, T deleted on the plus strand (A on the coding strand, the reverse complement: NEB is on the minus strand). VCF-style (leftmost placement, unchanged base first): chr2-151695683-CT-C. GRCh37 (hg19) VCF-style: chr2-152552197-CT-C.
Other names: c.1570-2del (NM_004543.5, NM_001164507.2, NM_001271208.2).
Identifiers: ClinVar variation 1066812 (VCV001066812.8), dbSNP rs2099590816, ClinGen allele CA1037879250.